The following is an entry in ClinVar:

NM_000059.4(BRCA2):c.4982A>C (p.Tyr1661Ser)

Gene: BRCA2 (BRCA2 DNA repair associated; plus strand). Cytogenetic location: 13q13.1.
Variant type: single nucleotide variant.
Coding change: c.4982A>C on transcript NM_000059.4 (MANE Select); coding-DNA position 4982, A replaced by C.
Protein change: p.Tyr1661Ser; replaces tyrosine 1661 with serine.
Molecular consequence: missense variant. On other transcripts: non-coding transcript variant (1), intron variant (2).
Genome position (GRCh38, 1-based): chr13:32,339,337, A>C. VCF-style: chr13-32339337-A-C. GRCh37 (hg19) VCF-style: chr13-32913474-A-C.
Other names: c.4982A>C, p.Tyr1661Ser (NM_001406719.1, NM_001406720.1, NM_001432077.1); c.1910-5221A>C (NM_001406721.1); c.425-5221A>C (NM_001406722.1); short protein forms Y1661S.
Identifiers: ClinVar variation 3572357 (VCV003572357.1).

ClinVar aggregate classification (germline): Uncertain significance (1 of 4 stars; one submission).

Submission:

Quest Diagnostics Nichols Institute San Juan Capistrano
Classification: Uncertain significance. Last evaluated: 2024-11-20. Review status: criteria provided, single submitter. Criteria: Quest Diagnostics criteria. Collection method: clinical testing. Allele origin: unknown.
Comment: The BRCA2 c.4982A>C (p.Tyr1661Ser) variant has not been reported in individuals with BRCA2-related conditions in the published literature. It also has not been reported in large, multi-ethnic general populations (Genome Aggregation Database). Analysis of this variant using bioinformatics tools for the prediction of the effect of amino acid changes on protein structure and function yielded predictions that this variant is benign. Based on the available information, we are unable to determine the clinical significance of this variant.